The following is an entry in ClinVar:

ClinVar aggregate classification (germline): other (0 of 4 stars; one submission).

Conditions:
Familial colorectal cancer. Identifiers: MedGen CN280943, MONDO:0023113. Disease mechanism: loss of function.

Submission:

Systems Biology Platform Zhejiang California International NanoSystems Institute
Classification: other for Familial colorectal cancer. Review status: no assertion criteria provided. Collection method: not provided. Allele origin: unknown.
ClinVar note: Converted during submission from cancer to other.

NM_000038.6(APC):c.646-721A>T

Gene: APC (APC regulator of WNT signaling pathway; plus strand). Cytogenetic location: 5q22.2.
Variant type: single nucleotide variant.
Coding change: c.646-721A>T on transcript NM_000038.6 (MANE Select); 721 bases into the intron before coding-DNA position 646, A replaced by T.
Molecular consequence: intron variant.
Genome position (GRCh38, 1-based): chr5:112,791,725, A>T. VCF-style: chr5-112791725-A-T. GRCh37 (hg19) VCF-style: chr5-112127422-A-T.
Other names: c.646-721A>T (NM_001354895.2, NM_001127510.3, NM_001354896.2 and 1 more transcripts); c.676-721A>T (NM_001354897.2, NM_001354902.2); c.676-9554A>T (NM_001127511.3); c.571-721A>T (NM_001354898.2, NM_001354904.2); c.-390-721A>T (NM_001354906.2); c.646-9554A>T (NM_001354899.2); c.469-721A>T (NM_001354900.2, NM_001354901.2, NM_001354905.2).
Identifiers: ClinVar variation 83001 (VCV000083001.2), dbSNP rs75720038, ClinGen allele CA012102.